The following is an entry in ClinVar:

NM_015425.6(POLR1A):c.1565T>G (p.Leu522Arg)

Gene: POLR1A (RNA polymerase I subunit A; minus strand). Cytogenetic location: 2p11.2.
Variant type: single nucleotide variant.
Coding change: c.1565T>G on transcript NM_015425.6 (MANE Select); coding-DNA position 1565, T replaced by G.
Protein change: p.Leu522Arg; replaces leucine 522 with arginine.
Molecular consequence: missense variant.
Genome position (GRCh38, 1-based): chr2:86,075,076, A>C on the plus strand (T>G on the coding strand, the complement: POLR1A is on the minus strand). VCF-style: chr2-86075076-A-C. GRCh37 (hg19) VCF-style: chr2-86302199-A-C.
Other names: short protein forms L522R.
Identifiers: ClinVar variation 1713602 (VCV001713602.5), dbSNP rs1673256402, ClinGen allele CA347550291.

ClinVar aggregate classification (germline): Uncertain significance (1 of 4 stars; one submission).

Submission:

Labcorp Genetics (formerly Invitae), Labcorp
Classification: Uncertain significance. Last evaluated: 2024-06-24. Review status: criteria provided, single submitter. Criteria: Invitae Variant Classification Sherloc (09022015). Collection method: clinical testing. Allele origin: germline.
Comment: This sequence change replaces leucine, which is neutral and non-polar, with arginine, which is basic and polar, at codon 522 of the POLR1A protein (p.Leu522Arg). This variant is not present in population databases (gnomAD no frequency). This variant has not been reported in the literature in individuals affected with POLR1A-related conditions. ClinVar contains an entry for this variant (Variation ID: 1713602). Advanced modeling of protein sequence and biophysical properties (such as structural, functional, and spatial information, amino acid conservation, physicochemical variation, residue mobility, and thermodynamic stability) performed at Invitae indicates that this missense variant is expected to disrupt POLR1A protein function with a positive predictive value of 80%. In summary, the available evidence is currently insufficient to determine the role of this variant in disease. Therefore, it has been classified as a Variant of Uncertain Significance.